The following is an entry in ClinVar:

NM_000492.4(CFTR):c.3514G>C (p.Glu1172Gln)

Genes: CFTR (CF transmembrane conductance regulator; plus strand), CFTR-AS2 (CFTR antisense RNA 2; minus strand). Cytogenetic location: 7q31.2.
Variant type: single nucleotide variant.
Coding change: c.3514G>C on transcript NM_000492.4 (MANE Select); coding-DNA position 3514, G replaced by C.
Protein change: p.Glu1172Gln; replaces glutamic acid 1172 with glutamine.
Molecular consequence: missense variant.
Genome position (GRCh38, 1-based): chr7:117,627,567, G>C. VCF-style: chr7-117627567-G-C. GRCh37 (hg19) VCF-style: chr7-117267621-G-C.
Other names: short protein forms E1172Q.
Identifiers: ClinVar variation 2037132 (VCV002037132.4), dbSNP rs1195390894, ClinGen allele CA368996194.

ClinVar aggregate classification (germline): Uncertain significance. Review status: criteria provided, multiple submitters, no conflicts (2 of 4 stars). 2 submissions from 2 submitters: Uncertain significance (2). Last evaluated 2025-12-31.

Conditions:
Cystic fibrosis (CF). Also called: MUCOVISCIDOSIS. Identifiers: Orphanet 586, MedGen C0010674, MONDO:0009061, OMIM 219700. Disease mechanism: loss of function.

Allele frequency attached by ClinVar (database versions not stated): gnomAD exomes below 0.00001.
gnomAD v4.1: 1 of 1,613,258 alleles (0.000062%); highest among the groups gnomAD compares: Admixed American, 0.0017%; no homozygotes.

Submissions (2):

Ambry Genetics
Classification: Uncertain significance for Cystic fibrosis. Last evaluated: 2025-12-31. Review status: criteria provided, single submitter. Criteria: Ambry Variant Classification Scheme 2023. Collection method: clinical testing. Allele origin: germline.
Comment: The p.E1172Q variant (also known as c.3514G>C), located in coding exon 22 of the CFTR gene, results from a G to C substitution at nucleotide position 3514. The glutamic acid at codon 1172 is replaced by glutamine, an amino acid with highly similar properties. This amino acid position is not well conserved in available vertebrate species. In addition, the in silico prediction for this alteration is inconclusive. Based on the available evidence, the clinical significance of this variant remains unclear.

Labcorp Genetics (formerly Invitae), Labcorp
Classification: Uncertain significance for Cystic fibrosis. Last evaluated: 2024-08-28. Review status: criteria provided, single submitter. Criteria: Invitae Variant Classification Sherloc (09022015). Collection method: clinical testing. Allele origin: germline.
Comment: This sequence change replaces glutamic acid, which is acidic and polar, with glutamine, which is neutral and polar, at codon 1172 of the CFTR protein (p.Glu1172Gln). This variant is present in population databases (no rsID available, gnomAD 0.003%). This variant has not been reported in the literature in individuals affected with CFTR-related conditions. ClinVar contains an entry for this variant (Variation ID: 2037132). Invitae Evidence Modeling of protein sequence and biophysical properties (such as structural, functional, and spatial information, amino acid conservation, physicochemical variation, residue mobility, and thermodynamic stability) indicates that this missense variant is expected to disrupt CFTR protein function with a positive predictive value of 80%. In summary, the available evidence is currently insufficient to determine the role of this variant in disease. Therefore, it has been classified as a Variant of Uncertain Significance.